The following is an entry in ClinVar:

ClinVar aggregate classification (germline): Benign. Review status: criteria provided, multiple submitters, no conflicts (2 of 4 stars). 2 submissions from 2 submitters: Benign (2). Last evaluated 2018-01-12.

Conditions:
Hermansky-Pudlak syndrome 5 (HPS5). Identifiers: Orphanet 231512, Orphanet 79430, MedGen C3888004, MONDO:0013557, OMIM 614074.

Allele frequency attached by ClinVar (database versions not stated): gnomAD exomes 0.30328; TOPMed 0.33576; gnomAD 0.33834 and 0.33956; 1000 Genomes Project 30x 0.35369; 1000 Genomes Project 0.35523.
gnomAD v4.1: 56,712 of 170,026 alleles (33%); highest among the groups gnomAD compares: African/African-American, 41%; 9,814 homozygotes.

Submissions (2):

Illumina Laboratory Services, Illumina
Classification: Benign for Hermansky-Pudlak syndrome 5. Last evaluated: 2018-01-12. Review status: criteria provided, single submitter. Criteria: ICSL Variant Classification Criteria 13 December 2019. Collection method: clinical testing. Allele origin: germline.
Comment: This variant was observed in the ICSL laboratory as part of a predisposition screen in an ostensibly healthy population. It had not been previously curated by ICSL or reported in the Human Gene Mutation Database (HGMD: prior to June 1st, 2018), and was therefore a candidate for classification through an automated scoring system. Utilizing variant allele frequency, disease prevalence and penetrance estimates, and inheritance mode, an automated score was calculated to assess if this variant is too frequent to cause the disease. Based on the score and internal cut-off values, a variant classified as benign is not then subjected to further curation. The score for this variant resulted in a classification of benign for this disease.

Breakthrough Genomics
Classification: Benign. Review status: criteria provided, single submitter. Criteria: ACMG Guidelines, 2015. Collection method: not provided. Allele origin: germline. Inheritance: Autosomal recessive inheritance. Affected: yes.

NM_181507.2(HPS5):c.*475C>T

Gene: HPS5 (HPS5 biogenesis of lysosomal organelles complex 2 subunit 2; minus strand). Cytogenetic location: 11p15.1.
Variant type: single nucleotide variant.
Coding change: c.*475C>T on transcript NM_181507.2 (MANE Select); 475 bases downstream of the stop codon, C replaced by T.
Molecular consequence: 3 prime UTR variant.
Genome position (GRCh38, 1-based): chr11:18,279,407, G>A on the plus strand (C>T on the coding strand, the complement: HPS5 is on the minus strand). VCF-style: chr11-18279407-G-A. GRCh37 (hg19) VCF-style: chr11-18300954-G-A.
Other names: c.*475C>T (NM_007216.4, NM_181508.2).
Identifiers: ClinVar variation 303857 (VCV000303857.6), dbSNP rs1046615, ClinGen allele CA10630507.